The following is an entry in ClinVar:

NM_007186.6(CEP250):c.5615A>T (p.Glu1872Val)

Gene: CEP250 (centrosomal protein 250; plus strand). Cytogenetic location: 20q11.22.
Variant type: single nucleotide variant.
Coding change: c.5615A>T on transcript NM_007186.6 (MANE Select); coding-DNA position 5615, A replaced by T.
Protein change: p.Glu1872Val; replaces glutamic acid 1872 with valine.
Molecular consequence: missense variant.
Genome position (GRCh38, 1-based): chr20:35,503,984, A>T. VCF-style: chr20-35503984-A-T. GRCh37 (hg19) VCF-style: chr20-34091812-A-T.
Other names: c.3719A>T, p.Glu1240Val (NM_001318219.1); c.5615A>T (NM_007186.3); short protein forms E1872V, E1240V.
Identifiers: ClinVar variation 851229 (VCV000851229.6), dbSNP rs1381077298, ClinGen allele CA408754039.

ClinVar aggregate classification (germline): Uncertain significance. Review status: criteria provided, multiple submitters, no conflicts (2 of 4 stars). 2 submissions from 2 submitters: Uncertain significance (2). Last evaluated 2024-09-30.

Allele frequency attached by ClinVar (database versions not stated): gnomAD 0.00003; TOPMed 0.00001.

Submissions (2):

Ambry Genetics
Classification: Uncertain significance. Last evaluated: 2024-09-30. Review status: criteria provided, single submitter. Criteria: Ambry Variant Classification Scheme 2023. Collection method: clinical testing. Allele origin: germline.

Labcorp Genetics (formerly Invitae), Labcorp
Classification: Uncertain significance. Last evaluated: 2022-04-09. Review status: criteria provided, single submitter. Criteria: Invitae Variant Classification Sherloc (09022015). Collection method: clinical testing. Allele origin: germline.
Comment: This sequence change replaces glutamic acid, which is acidic and polar, with valine, which is neutral and non-polar, at codon 1872 of the CEP250 protein (p.Glu1872Val). This variant is not present in population databases (gnomAD no frequency). This variant has not been reported in the literature in individuals affected with CEP250-related conditions. ClinVar contains an entry for this variant (Variation ID: 851229). Algorithms developed to predict the effect of missense changes on protein structure and function are either unavailable or do not agree on the potential impact of this missense change (SIFT: "Not Available"; PolyPhen-2: "Benign"; Align-GVGD: "Not Available"). In summary, the available evidence is currently insufficient to determine the role of this variant in disease. Therefore, it has been classified as a Variant of Uncertain Significance.